The following is an entry in ClinVar:

ClinVar aggregate classification (germline): Uncertain significance. Review status: criteria provided, multiple submitters, no conflicts (2 of 4 stars). 2 submissions from 2 submitters: Uncertain significance (2). Last evaluated 2025-04-02.

Conditions:
Congenital contractural arachnodactyly (CCA). Also called: Beals-Hecht syndrome; BEALS SYNDROME; Arthrogryposis, distal, type 9. Identifiers: Orphanet 115, MedGen C0220668, MONDO:0007363, OMIM 121050.

Submissions (2):

Dasa
Classification: Uncertain significance. Last evaluated: 2025-04-02. Review status: criteria provided, single submitter. Criteria: DASA Assertion Criteria. Collection method: clinical testing. Allele origin: germline.
Comment: NM_001999.4(FBN2):c.4594G>T (p.Asp1532Tyr) is a missense variant that results in the substitution of aspartic acid with tyrosine. This variant is absent from population databases. Computational prediction algorithms are consistent with a deleterious effect. The currently available literature and clinical evidence are not sufficient to establish a definitive association between this variant and the reported condition. Therefore, this variant is classified as a variant of uncertain significance.

3billion
Classification: Uncertain significance for Congenital contractural arachnodactyly. Last evaluated: 2023-02-23. Review status: criteria provided, single submitter. Criteria: ACMG Guidelines, 2015. Collection method: clinical testing. Allele origin: unknown. Affected: yes.
Comment: The variant is not observed in the gnomAD v2.1.1 dataset. Missense changes are a common disease-causing mechanism. In silico tool predictions suggest damaging effect of the variant on gene or gene product (REVEL: 0.95; 3Cnet: 0.98). A different missense change at the same codon (p.Asp1532Asn) has been reported to be associated with FBN2 related disorder (ClinVar ID: VCV000213330). However, the evidence of pathogenicity is insufficient at this time. Therefore, this variant is classified as VUS according to the recommendation of ACMG/AMP guideline.

NM_001999.4(FBN2):c.4594G>T (p.Asp1532Tyr)

Gene: FBN2 (fibrillin 2; minus strand). Cytogenetic location: 5q23.3.
Variant type: single nucleotide variant.
Coding change: c.4594G>T on transcript NM_001999.4 (MANE Select); coding-DNA position 4594, G replaced by T.
Protein change: p.Asp1532Tyr; replaces aspartic acid 1532 with tyrosine.
Molecular consequence: missense variant.
Genome position (GRCh38, 1-based): chr5:128,318,879, C>A on the plus strand (G>T on the coding strand, the complement: FBN2 is on the minus strand). VCF-style: chr5-128318879-C-A. GRCh37 (hg19) VCF-style: chr5-127654571-C-A.
Other names: short protein forms D1532Y.
Identifiers: ClinVar variation 2444341 (VCV002444341.3), dbSNP rs863223574, ClinGen allele CA360750183.
Genomic context (GRCh38, chr5:128,318,879, plus strand): 5'-TTAGCACAGAATACTCATTTCAATGAATCAGAACACAACTTAGCTGGTAACTGACCATAC[C>A]TGTACAGTTCCCTCCTGTTCTGTCCAATTCATAACCATCATCGCAGATGCAATGAAACAT-3'
Protein context (NP_001990.2, residues 1522-1542): ELDRTGGNCT[Asp1532Tyr]IDECADPINC